The following is an entry in ClinVar:

ClinVar aggregate classification (germline): Benign. Review status: criteria provided, multiple submitters, no conflicts (2 of 4 stars). 4 submissions from 4 submitters: Benign (3). 1 of the submissions does not count toward it. Last evaluated 2026-01-31.

Conditions:
Alkaptonuria (AKU). Also called: Alcaptonuria; Homogentisic acidura; HOMOGENTISIC ACID OXIDASE DEFICIENCY; Alkaptonuric ochronosis. Identifiers: Orphanet 56, MedGen C0002066, MONDO:0008753, OMIM 203500.

Allele frequency attached by ClinVar (database versions not stated): 1000 Genomes Project 30x 0.00953; 1000 Genomes Project 0.00998; TOPMed 0.01884; ESP Exome Variant Server 0.02062; gnomAD 0.02463.
gnomAD v4.1: 41,380 of 1,613,844 alleles (2.6%); highest among the groups gnomAD compares: Middle Eastern, 4.3%; 604 homozygotes.

Submissions (4):

Labcorp Genetics (formerly Invitae), Labcorp
Classification: Benign for Alkaptonuria. Last evaluated: 2026-01-31. Review status: criteria provided, single submitter. Criteria: Invitae Variant Classification Sherloc (09022015). Collection method: clinical testing. Allele origin: germline.

Illumina Laboratory Services, Illumina
Classification: Benign for Alkaptonuria. Last evaluated: 2018-01-13. Review status: criteria provided, single submitter. Criteria: ICSL Variant Classification Criteria 13 December 2019. Collection method: clinical testing. Allele origin: germline.
Comment: This variant was observed in the ICSL laboratory as part of a predisposition screen in an ostensibly healthy population. It had not been previously curated by ICSL or reported in the Human Gene Mutation Database (HGMD: prior to June 1st, 2018), and was therefore a candidate for classification through an automated scoring system. Utilizing variant allele frequency, disease prevalence and penetrance estimates, and inheritance mode, an automated score was calculated to assess if this variant is too frequent to cause the disease. Based on the score and internal cut-off values, a variant classified as benign is not then subjected to further curation. The score for this variant resulted in a classification of benign for this disease.

Breakthrough Genomics
Classification: Benign. Review status: criteria provided, single submitter. Criteria: ACMG Guidelines, 2015. Collection method: not provided. Allele origin: germline. Inheritance: Autosomal recessive inheritance. Affected: yes.

Department Of Human Genetics, Institute Of Clinical And Translational Research, Biomedical Research Center, Slovak Academy Of Sciences
Classification: Benign for Alkaptonuria. Review status: no assertion criteria provided. Collection method: research. Allele origin: germline. Inheritance: Autosomal recessive inheritance. Affected: yes. Observed: 1 variant allele. Not counted in ClinVar's aggregate classification.
Comment: The variant has been submitted to the HGD gene mutation database (DB-ID: AKU_00223). Minigene splicing experiments showed no effect of this silent variant c.1191A>C (A397A) on splicing, as reported in PMID:30737480.

Literature cited by the submitters: PubMed 30737480 (cited by Department Of Human Genetics, Institute Of Clinical And Translational Research, Biomedical Research Center, Slovak Academy Of Sciences).

NM_000187.4(HGD):c.1191A>C (p.Ala397=)

Gene: HGD (homogentisate 1,2-dioxygenase; minus strand). Cytogenetic location: 3q13.33.
Variant type: single nucleotide variant.
Coding change: c.1191A>C on transcript NM_000187.4 (MANE Select); coding-DNA position 1191, A replaced by C.
Protein change: p.Ala397=; no amino-acid change (alanine 397 retained).
Molecular consequence: synonymous variant.
Genome position (GRCh38, 1-based): chr3:120,628,527, T>G on the plus strand (A>C on the coding strand, the complement: HGD is on the minus strand). VCF-style: chr3-120628527-T-G. GRCh37 (hg19) VCF-style: chr3-120347374-T-G.
Identifiers: ClinVar variation 342737 (VCV000342737.15), dbSNP rs137923025, ClinGen allele CA2559931.
Genomic context (GRCh38, chr3:120,628,527, plus strand): 5'-CCTGGAGGCCTTGAGTCCCCACTTTGTGACCGCCAGACTTAAAGATGATTCAAACATAAA[T>G]GCCTGGAGGAAGTGACGATGGGGATGAGAAAAAAGAGGTGAGATAGATAATAAACACATT-3'
Protein context (NP_000178.2, residues 387-407): APERIADGTM[Ala397=]FMFESSLSLA